The following is an entry in ClinVar:

ClinVar aggregate classification (germline): Uncertain significance (1 of 4 stars; one submission).

gnomAD v4.1: 13 of 1,613,798 alleles (0.00081%); highest among the groups gnomAD compares: South Asian, 0.0033%; no homozygotes.

Submission:

Labcorp Genetics (formerly Invitae), Labcorp
Classification: Uncertain significance. Last evaluated: 2024-06-21. Review status: criteria provided, single submitter. Criteria: Invitae Variant Classification Sherloc (09022015). Collection method: clinical testing. Allele origin: germline.
Comment: This sequence change replaces valine, which is neutral and non-polar, with methionine, which is neutral and non-polar, at codon 868 of the KMT2A protein (p.Val868Met). This variant is present in population databases (rs782640926, gnomAD 0.0009%). This variant has not been reported in the literature in individuals affected with KMT2A-related conditions. Advanced modeling of protein sequence and biophysical properties (such as structural, functional, and spatial information, amino acid conservation, physicochemical variation, residue mobility, and thermodynamic stability) performed at Invitae indicates that this missense variant is not expected to disrupt KMT2A protein function with a negative predictive value of 95%. In summary, the available evidence is currently insufficient to determine the role of this variant in disease. Therefore, it has been classified as a Variant of Uncertain Significance.

NM_001197104.2(KMT2A):c.2602G>A (p.Val868Met)

Gene: KMT2A (lysine methyltransferase 2A; plus strand). Cytogenetic location: 11q23.3.
Variant type: single nucleotide variant.
Coding change: c.2602G>A on transcript NM_001197104.2 (MANE Select); coding-DNA position 2602, G replaced by A.
Protein change: p.Val868Met; replaces valine 868 with methionine.
Molecular consequence: missense variant.
Genome position (GRCh38, 1-based): chr11:118,473,761, G>A. VCF-style: chr11-118473761-G-A. GRCh37 (hg19) VCF-style: chr11-118344476-G-A.
Other names: c.2701G>A, p.Val901Met (NM_001412597.1); c.2602G>A, p.Val868Met (NM_005933.4); short protein forms V868M, V901M.
Identifiers: ClinVar variation 3611313 (VCV003611313.2).